The following is an entry in ClinVar:

ClinVar aggregate classification (germline): Likely benign (1 of 4 stars; one submission).

Allele frequency attached by ClinVar (database versions not stated): gnomAD exomes 0.00037; ExAC 0.00043; 1000 Genomes Project 30x 0.00078; 1000 Genomes Project 0.00080; gnomAD 0.00015; TOPMed 0.00029.
gnomAD v4.1: 560 of 1,613,444 alleles (0.035%); highest among the groups gnomAD compares: East Asian, 1.1%; 6 homozygotes.

Submission:

CeGaT Center for Human Genetics Tuebingen
Classification: Likely benign. Last evaluated: 2022-11-01. Review status: criteria provided, single submitter. Criteria: CeGaT Center For Human Genetics Tuebingen Variant Classification Criteria Version 2. Collection method: clinical testing. Allele origin: germline. Affected: yes. Observed: 1 variant allele.
Comment: RFX2: BP4, BP7

NM_000635.4(RFX2):c.1968C>T (p.Arg656=)

Genes: RANBP3-DT (RANBP3 divergent transcript; plus strand), RFX2 (regulatory factor X2; minus strand). Cytogenetic location: 19p13.3.
Variant type: single nucleotide variant.
Coding change: c.1968C>T on transcript NM_000635.4 (MANE Select); coding-DNA position 1968, C replaced by T.
Protein change: p.Arg656=; no amino-acid change (arginine 656 retained).
Molecular consequence: synonymous variant.
Genome position (GRCh38, 1-based): chr19:5,997,105, G>A on the plus strand (C>T on the coding strand, the complement: RFX2 is on the minus strand). VCF-style: chr19-5997105-G-A. GRCh37 (hg19) VCF-style: chr19-5997116-G-A.
Other names: c.1893C>T, p.Arg631= (NM_134433.3).
Identifiers: ClinVar variation 2649129 (VCV002649129.24), dbSNP rs75499120, ClinGen allele CA9120496.
Genomic context (GRCh38, chr19:5,997,105, plus strand): 5'-CAGGAGGGTCCTCACCTCTCCCATCACAGCGATCGGCGTCTCTCCGGTGGCCTCCGCGAC[G>A]CGGTGCTCCACCAGGTAGAACATGTACTCGTCGTAGAGCAGGCGGATGAGGTGGAAGGAG-3'
Protein context (NP_000626.2, residues 646-666): DEYMFYLVEH[Arg656=]VAEATGETPI